The following is an entry in ClinVar:

NM_152383.5(DIS3L2):c.731C>G (p.Ser244Cys)

Gene: DIS3L2 (DIS3 like 3'-5' exoribonuclease 2; plus strand). Cytogenetic location: 2q37.1.
Variant type: single nucleotide variant.
Coding change: c.731C>G on transcript NM_152383.5 (MANE Select); coding-DNA position 731, C replaced by G.
Protein change: p.Ser244Cys; replaces serine 244 with cysteine.
Molecular consequence: missense variant. On other transcripts: non-coding transcript variant (1).
Genome position (GRCh38, 1-based): chr2:232,136,500, C>G. VCF-style: chr2-232136500-C-G. GRCh37 (hg19) VCF-style: chr2-233001210-C-G.
Other names: c.731C>G, p.Ser244Cys (NM_001257281.2); short protein forms S244C.
Identifiers: ClinVar variation 1508480 (VCV001508480.6), dbSNP rs1698361769, ClinGen allele CA351153474.

ClinVar aggregate classification (germline): Uncertain significance (1 of 4 stars; one submission).

Conditions:
Perlman syndrome (PRLMNS). Identifiers: Orphanet 2849, MedGen C0796113, MONDO:0009965, OMIM 267000.

Allele frequency attached by ClinVar (database versions not stated): gnomAD 0.00001.
gnomAD v4.1: 1 of 1,613,870 alleles (0.000062%); highest among the groups gnomAD compares: South Asian, 0.0011%; no homozygotes.

Submission:

Labcorp Genetics (formerly Invitae), Labcorp
Classification: Uncertain significance for Perlman syndrome. Last evaluated: 2021-11-25. Review status: criteria provided, single submitter. Criteria: Invitae Variant Classification Sherloc (09022015). Collection method: clinical testing. Allele origin: germline.
Comment: In summary, the available evidence is currently insufficient to determine the role of this variant in disease. Therefore, it has been classified as a Variant of Uncertain Significance. Algorithms developed to predict the effect of missense changes on protein structure and function are either unavailable or do not agree on the potential impact of this missense change (SIFT: "Tolerated"; PolyPhen-2: "Probably Damaging"; Align-GVGD: "Class C0"). This variant has not been reported in the literature in individuals affected with DIS3L2-related conditions. This variant is not present in population databases (gnomAD no frequency). This sequence change replaces serine, which is neutral and polar, with cysteine, which is neutral and slightly polar, at codon 244 of the DIS3L2 protein (p.Ser244Cys).